The following is an entry in ClinVar:

NM_024408.4(NOTCH2):c.703A>T (p.Thr235Ser)

Gene: NOTCH2 (notch receptor 2; minus strand). Cytogenetic location: 1p12.
Variant type: single nucleotide variant.
Coding change: c.703A>T on transcript NM_024408.4 (MANE Select); coding-DNA position 703, A replaced by T.
Protein change: p.Thr235Ser; replaces threonine 235 with serine.
Molecular consequence: missense variant.
Genome position (GRCh38, 1-based): chr1:119,997,045, T>A on the plus strand (A>T on the coding strand, the complement: NOTCH2 is on the minus strand). VCF-style: chr1-119997045-T-A. GRCh37 (hg19) VCF-style: chr1-120539668-T-A.
Other names: c.703A>T, p.Thr235Ser (NM_001200001.2); short protein forms T235S.
Identifiers: ClinVar variation 2639051 (VCV002639051.25), dbSNP rs200464440, ClinGen allele CA1040785.
Genomic context (GRCh38, chr1:119,997,045, plus strand): 5'-GGAGCTCCTTACCTGGAAGGCAGTTGCACTCAAAAGTGAAGTCACCAGTCTGCCGACAGG[T>A]GCCTCCATTGACACAAGGTGAGGGTGCACAGGGCACATACAGGCTGTCACAGTACTGGCC-3'
Protein context (NP_077719.2, residues 225-245): CAPSPCVNGG[Thr235Ser]CRQTGDFTFE

ClinVar aggregate classification (germline): Likely benign. Review status: criteria provided, multiple submitters, no conflicts (2 of 4 stars). 2 submissions from 2 submitters: Likely benign (2). Last evaluated 2024-10-17.

Allele frequency attached by ClinVar (database versions not stated): gnomAD exomes 0.00003; gnomAD 0.00005; TOPMed 0.00005; ExAC 0.00011.
gnomAD v4.1: 47 of 1,613,832 alleles (0.0029%); highest among the groups gnomAD compares: African/African-American, 0.004%; no homozygotes.

Submissions (2):

Blueprint Genetics
Classification: Likely benign. Last evaluated: 2024-10-17. Review status: criteria provided, single submitter. Criteria: ACMG Guidelines, 2015. Collection method: clinical testing. Allele origin: germline.

CeGaT Center for Human Genetics Tuebingen
Classification: Likely benign. Last evaluated: 2024-01-01. Review status: criteria provided, single submitter. Criteria: CeGaT Center For Human Genetics Tuebingen Variant Classification Criteria Version 2. Collection method: clinical testing. Allele origin: germline. Affected: yes. Observed: 2 variant alleles.
Comment: NOTCH2: BP4